The following is an entry in ClinVar:

ClinVar aggregate classification (germline): Likely benign. Review status: criteria provided, multiple submitters, no conflicts (2 of 4 stars). 4 submissions from 4 submitters: Likely benign (3). 1 of the submissions does not count toward it. Last evaluated 2026-09-01.

Conditions:
ELN-related disorder.
Supravalvar aortic stenosis (SVAS). Also called: Supravalvar aortic stenosis, Eisenberg type. Identifiers: Orphanet 3193, MedGen C0003499, MONDO:0008504, OMIM 185500, HP:0004381.

Allele frequency attached by ClinVar (database versions not stated): ExAC 0.00002; gnomAD exomes 0.00003 and 0.00004; TOPMed 0.00005; gnomAD 0.00006.
gnomAD v4.1: 58 of 1,614,026 alleles (0.0036%); highest among the groups gnomAD compares: Non-Finnish European, 0.0046%; no homozygotes.

Submissions (4):

CeGaT Center for Human Genetics Tuebingen
Classification: Likely benign. Last evaluated: 2026-09-01. Review status: criteria provided, single submitter. Criteria: CeGaT Center For Human Genetics Tuebingen Variant Classification Criteria Version 2. Collection method: clinical testing. Allele origin: germline. Affected: yes. Observed: 5 variant alleles.
Comment: ELN: BP4, BP7

Labcorp Genetics (formerly Invitae), Labcorp
Classification: Likely benign for Supravalvar aortic stenosis. Last evaluated: 2025-12-11. Review status: criteria provided, single submitter. Criteria: Invitae Variant Classification Sherloc (09022015). Collection method: clinical testing. Allele origin: germline.

GeneDx
Classification: Likely benign. Last evaluated: 2021-06-14. Review status: criteria provided, single submitter. Criteria: GeneDx Variant Classification Process June 2021. Collection method: clinical testing. Allele origin: germline. Affected: yes.

PreventionGenetics, part of Exact Sciences
Classification: Likely benign for ELN-related condition. Last evaluated: 2021-12-13. Review status: no assertion criteria provided. Collection method: clinical testing. Allele origin: germline. Not counted in ClinVar's aggregate classification.
Comment: This variant is classified as likely benign based on ACMG/AMP sequence variant interpretation guidelines (Richards et al. 2015 PMID: 25741868, with internal and published modifications).

NM_000501.4(ELN):c.1590C>T (p.Ser530=)

Genes: ELN-AS1 (ELN antisense RNA 1; minus strand), ELN (elastin; plus strand). Cytogenetic location: 7q11.23.
Variant type: single nucleotide variant.
Coding change: c.1590C>T on transcript NM_000501.4 (MANE Select); coding-DNA position 1590, C replaced by T.
Protein change: p.Ser530=; no amino-acid change (serine 530 retained).
Molecular consequence: synonymous variant. On other transcripts: intron variant (1).
Genome position (GRCh38, 1-based): chr7:74,060,153, C>T. VCF-style: chr7-74060153-C-T. GRCh37 (hg19) VCF-style: chr7-73474483-C-T.
Other names: c.1503C>T, p.Ser501= (NM_001081752.3); c.1548C>T, p.Ser516= (NM_001081753.3); c.1605C>T, p.Ser535= (NM_001081754.3); c.1533C>T, p.Ser511= (NM_001081755.3); c.1590C>T, p.Ser530= (NM_001278912.2); c.1347C>T, p.Ser449= (NM_001278913.2); c.1518C>T, p.Ser506= (NM_001278914.2); c.1608C>T, p.Ser536= (NM_001278915.2); and 5 more.
Identifiers: ClinVar variation 514200 (VCV000514200.48), dbSNP rs782526296, ClinGen allele CA4293123.
Genomic context (GRCh38, chr7:74,060,153, plus strand): 5'-ATGGGCCCCGCCTCCATCTCTAATCCCCCTCTCTCTCCCTCCCTCAGCTGCAGCAAAATC[C>T]GCTGCCAAGGTGGCTGCCAAAGCCCAGCTCCGTGAGTGCCTCGCCCACCTTTCTCTCCTC-3'
Protein context (NP_000492.2, residues 520-540): GPGGVAAAAK[Ser530=]AAKVAAKAQL